The following is an entry in ClinVar:

ClinVar aggregate classification (germline): Uncertain significance (1 of 4 stars; one submission).

Allele frequency attached by ClinVar (database versions not stated): gnomAD 0.00001; TOPMed below 0.00001; gnomAD exomes 0.00001.
gnomAD v4.1: 8 of 1,209,693 alleles (0.00066%); highest among the groups gnomAD compares: African/African-American, 0.0017%; no homozygotes.

Submission:

Labcorp Genetics (formerly Invitae), Labcorp
Classification: Uncertain significance. Last evaluated: 2025-04-25. Review status: criteria provided, single submitter. Criteria: Invitae Variant Classification Sherloc (09022015). Collection method: clinical testing. Allele origin: germline.
Comment: This sequence change replaces arginine, which is basic and polar, with glutamine, which is neutral and polar, at codon 3786 of the HUWE1 protein (p.Arg3786Gln). This variant is not present in population databases (gnomAD no frequency). This variant has not been reported in the literature in individuals affected with HUWE1-related conditions. ClinVar contains an entry for this variant (Variation ID: 1360482). Invitae Evidence Modeling of protein sequence and biophysical properties (such as structural, functional, and spatial information, amino acid conservation, physicochemical variation, residue mobility, and thermodynamic stability) has been performed for this missense variant. However, the output from this modeling did not meet the statistical confidence thresholds required to predict the impact of this variant on HUWE1 protein function. In summary, the available evidence is currently insufficient to determine the role of this variant in disease. Therefore, it has been classified as a Variant of Uncertain Significance.

NM_031407.7(HUWE1):c.11357G>A (p.Arg3786Gln)

Gene: HUWE1 (HECT, UBA and WWE domain containing E3 ubiquitin protein ligase 1; minus strand). Cytogenetic location: Xp11.22.
Variant type: single nucleotide variant.
Coding change: c.11357G>A on transcript NM_031407.7 (MANE Select); coding-DNA position 11357, G replaced by A.
Protein change: p.Arg3786Gln; replaces arginine 3786 with glutamine.
Molecular consequence: missense variant.
Genome position (GRCh38, 1-based): chrX:53,543,863, C>T on the plus strand (G>A on the coding strand, the complement: HUWE1 is on the minus strand). VCF-style: chrX-53543863-C-T. GRCh37 (hg19) VCF-style: chrX-53570824-C-T.
Other names: short protein forms R3786Q.
Identifiers: ClinVar variation 1360482 (VCV001360482.8), dbSNP rs1397073912, ClinGen allele CA413164016.
Genomic context (GRCh38, chrX:53,543,863, plus strand): 5'-GAGACAAATGAATGAGGGGCCACAGGCATCATGCTAACCGTTGCTGCTTGTTGCTGTCTC[C>T]GCGCCCTTTGACCCTCACGTACCATTTGTATAATGGCATCAGCCTCAGCCTCCAGCTGCC-3'
Protein context (NP_113584.3, residues 3776-3796): IQMVREGQRA[Arg3786Gln]RQQQAATSES